The following is an entry in ClinVar:

ClinVar aggregate classification (germline): Likely benign (1 of 4 stars; one submission).

Allele frequency attached by ClinVar (database versions not stated): gnomAD exomes 0.00002.
gnomAD v4.1: 12 of 1,204,340 alleles (0.001%); highest among the groups gnomAD compares: Non-Finnish European, 0.0013%; no homozygotes.

Submission:

CeGaT Center for Human Genetics Tuebingen
Classification: Likely benign. Last evaluated: 2022-07-01. Review status: criteria provided, single submitter. Criteria: CeGaT Center For Human Genetics Tuebingen Variant Classification Criteria Version 2. Collection method: clinical testing. Allele origin: germline. Affected: yes. Observed: 1 variant allele.
Comment: MAP7D3: PM2:Supporting, BP4, BP7

NM_024597.4(MAP7D3):c.1707T>C (p.Thr569=)

Gene: MAP7D3 (MAP7 domain containing 3; minus strand). Cytogenetic location: Xq26.3.
Variant type: single nucleotide variant.
Coding change: c.1707T>C on transcript NM_024597.4 (MANE Select); coding-DNA position 1707, T replaced by C.
Protein change: p.Thr569=; no amino-acid change (threonine 569 retained).
Molecular consequence: synonymous variant.
Genome position (GRCh38, 1-based): chrX:136,230,428, A>G on the plus strand (T>C on the coding strand, the complement: MAP7D3 is on the minus strand). VCF-style: chrX-136230428-A-G. GRCh37 (hg19) VCF-style: chrX-135312587-A-G.
Other names: c.1653T>C, p.Thr551= (NM_001173516.1); c.1602T>C, p.Thr534= (NM_001173517.2).
Identifiers: ClinVar variation 2661501 (VCV002661501.24), dbSNP rs2521428687, ClinGen allele CA518836928.